The following is an entry in ClinVar:

NM_003801.4(GPAA1):c.1218del (p.Gly408fs)

Gene: GPAA1 (glycosylphosphatidylinositol anchor attachment 1; plus strand). Cytogenetic location: 8q24.3.
Variant type: Deletion.
Coding change: c.1218del on transcript NM_003801.4 (MANE Select); coding-DNA position 1218, one base deleted (C; older notation c.1218delC).
Protein change: p.Gly408fs; shifts the reading frame from glycine 408.
Molecular consequence: frameshift variant.
Genome position (GRCh38, 1-based): chr8:144,085,096, C deleted; the last of 3 consecutive C bases (chr8:144,085,094-144,085,096); deleting any one gives the same sequence. VCF-style (leftmost placement, unchanged base first): chr8-144085093-GC-G. GRCh37 (hg19) VCF-style: chr8-145139996-GC-G.
Other names: short protein forms G408fs.
Identifiers: ClinVar variation 2006619 (VCV002006619.4), dbSNP rs1554764151, ClinGen allele CA2580078680.

ClinVar aggregate classification (germline): Pathogenic (1 of 4 stars; one submission).

Submission:

Labcorp Genetics (formerly Invitae), Labcorp
Classification: Pathogenic. Last evaluated: 2022-10-17. Review status: criteria provided, single submitter. Criteria: Invitae Variant Classification Sherloc (09022015). Collection method: clinical testing. Allele origin: germline.
Comment: For these reasons, this variant has been classified as Pathogenic. This variant has not been reported in the literature in individuals affected with GPAA1-related conditions. This variant is not present in population databases (gnomAD no frequency). This sequence change creates a premature translational stop signal (p.Gly408Valfs*25) in the GPAA1 gene. It is expected to result in an absent or disrupted protein product. Loss-of-function variants in GPAA1 are known to be pathogenic (PMID: 29100095).

Literature cited by the submitters: PubMed 29100095.